The following is an entry in ClinVar:

ClinVar aggregate classification (germline): Pathogenic (1 of 4 stars; one submission).

Submission:

Labcorp Genetics (formerly Invitae), Labcorp
Classification: Pathogenic. Last evaluated: 2021-08-12. Review status: criteria provided, single submitter. Criteria: Invitae Variant Classification Sherloc (09022015). Collection method: clinical testing. Allele origin: germline.
Comment: This variant is a gross deletion of the genomic region encompassing exon(s) 2-9 of the ROR2 gene, which includes the termination codon. This deletion extends beyond the assayed region for this gene and therefore may encompass additional genes. While this deletion is not anticipated to lead to nonsense mediated decay, it is expected to alter mRNA translation or result in a truncated protein product. A similar copy number variant has been observed in individual(s) with clinical features of Robinow syndrome (Invitae). The region of the ROR2 gene that includes exon(s) 6-7 has been determined to be clinically significant (PMID: 18831060). Therefore, deletions that encompass that region are likely to be disease-causing. For these reasons, this variant has been classified as Pathogenic.

Literature cited by the submitters: PubMed 18831060.

NC_000009.11:g.(?_94485944)_(94538120_?)del

Gene: ROR2 (receptor tyrosine kinase like orphan receptor 2; minus strand). Cytogenetic location: 9q22.31.
Variant type: Deletion.
Identifiers: ClinVar variation 2425156 (VCV002425156.3).